The following is an entry in ClinVar:

NM_005751.5(AKAP9):c.6364dup (p.Thr2122fs)

Gene: AKAP9 (A-kinase anchoring protein 9; plus strand). Cytogenetic location: 7q21.2.
Variant type: Duplication.
Coding change: c.6364dup on transcript NM_005751.5 (MANE Select); coding-DNA position 6364, one base duplicated (A; older notation c.6364dupA).
Protein change: p.Thr2122fs; shifts the reading frame from threonine 2122.
Molecular consequence: frameshift variant.
Genome position (GRCh38, 1-based): chr7:92,070,063, A duplicated; the last of 6 consecutive A bases (chr7:92,070,058-92,070,063); duplicating any one gives the same sequence. VCF-style (leftmost placement, unchanged base first): chr7-92070057-G-GA. GRCh37 (hg19) VCF-style: chr7-91699371-G-GA.
Other names: c.1009dup, p.Thr337fs (NM_001379277.1); c.6364dup, p.Thr2122fs (NM_147185.3); c.6364dupA (NM_005751.4); short protein forms T2122fs, T337fs.
Identifiers: ClinVar variation 1753071 (VCV001753071.2), dbSNP rs2535218297, ClinGen allele CA645558850.

ClinVar aggregate classification (germline): Uncertain significance (1 of 4 stars; one submission).

Conditions:
Cardiovascular phenotype. Identifiers: MedGen CN230736.

Submission:

Ambry Genetics
Classification: Uncertain significance for Cardiovascular phenotype. Last evaluated: 2022-07-20. Review status: criteria provided, single submitter. Criteria: Ambry Variant Classification Scheme 2023. Collection method: clinical testing. Allele origin: germline.
Comment: The c.6364dupA variant, located in coding exon 27 of the AKAP9 gene, results from a duplication of A at nucleotide position 6364, causing a translational frameshift with a predicted alternate stop codon (p.T2122Nfs*6). This alteration is expected to result in loss of function by premature protein truncation or nonsense-mediated mRNA decay. However, the evidence for this gene-disease relationship is limited; therefore, the clinical significance of this alteration is unclear.